The following is an entry in ClinVar:

ClinVar aggregate classification (germline): Benign. Review status: criteria provided, multiple submitters, no conflicts (2 of 4 stars). 2 submissions from 2 submitters: Benign (2). Last evaluated 2018-06-14.

Allele frequency attached by ClinVar (database versions not stated): gnomAD 0.08756 and 0.08975; TOPMed 0.09505; 1000 Genomes Project 30x 0.13492; 1000 Genomes Project 0.13618.
gnomAD v4.1: 68,255 of 938,182 alleles (7.3%); highest among the groups gnomAD compares: East Asian, 29%; 4,169 homozygotes.

Submissions (2):

GeneDx
Classification: Benign. Last evaluated: 2018-06-14. Review status: criteria provided, single submitter. Criteria: GeneDx Variant Classification (06012015). Collection method: clinical testing. Allele origin: germline. Affected: yes.
Comment: This variant is considered likely benign or benign based on one or more of the following criteria: it is a conservative change, it occurs at a poorly conserved position in the protein, it is predicted to be benign by multiple in silico algorithms, and/or has population frequency not consistent with disease.

Breakthrough Genomics
Classification: Benign. Review status: criteria provided, single submitter. Criteria: ACMG Guidelines, 2015. Collection method: not provided. Allele origin: germline. Inheritance: Autosomal recessive inheritance. Affected: yes.

NM_000218.3(KCNQ1):c.1514+156C>G

Genes: KCNQ1 (potassium voltage-gated channel subfamily Q member 1; plus strand), KCNQ1OT1 (KCNQ1 opposite strand/antisense transcript 1; minus strand). Cytogenetic location: 11p15.5.
Variant type: single nucleotide variant.
Coding change: c.1514+156C>G on transcript NM_000218.3 (MANE Select); 156 bases into the intron after coding-DNA position 1514, C replaced by G.
Molecular consequence: intron variant.
Genome position (GRCh38, 1-based): chr11:2,662,237, C>G. VCF-style: chr11-2662237-C-G. GRCh37 (hg19) VCF-style: chr11-2683467-C-G.
Other names: c.1244+156C>G (NM_001406837.1); c.1418+156C>G (NM_001406836.1); c.974+156C>G (NM_001406838.1); c.1133+156C>G (NM_181798.2).
Identifiers: ClinVar variation 671951 (VCV000671951.4), dbSNP rs2075868, ClinGen allele CA216171173.